The following is an entry in ClinVar:

ClinVar aggregate classification (germline): Uncertain significance. Review status: criteria provided, multiple submitters, no conflicts (2 of 4 stars). 2 submissions from 2 submitters: Uncertain significance (2). Last evaluated 2022-07-20.

Conditions:
Hereditary cancer-predisposing syndrome. Also called: Hereditary neoplastic syndrome; Tumor predisposition; Neoplastic Syndromes, Hereditary; Hereditary Cancer Syndrome. Identifiers: Orphanet 140162, MedGen C0027672, MeSH D009386, MONDO:0015356.
Ataxia-telangiectasia syndrome (AT). Also called: Cerebello-oculocutaneous telangiectasia; ATAXIA-TELANGIECTASIA, COMPLEMENTATION GROUP A; ATAXIA-TELANGIECTASIA, FRESNO VARIANT; Ataxia-telangiectasia, complementation group D; AT, COMPLEMENTATION GROUP C; Immunodeficiency with ataxia telangiectasia. Identifiers: Orphanet 100, MedGen C0004135, MONDO:0008840, OMIM 208900.

Submissions (2):

Labcorp Genetics (formerly Invitae), Labcorp
Classification: Uncertain significance for Ataxia-telangiectasia syndrome. Last evaluated: 2022-07-20. Review status: criteria provided, single submitter. Criteria: Invitae Variant Classification Sherloc (09022015). Collection method: clinical testing. Allele origin: germline.
Comment: This sequence change replaces glutamine, which is neutral and polar, with leucine, which is neutral and non-polar, at codon 1839 of the ATM protein (p.Gln1839Leu). Advanced modeling of protein sequence and biophysical properties (such as structural, functional, and spatial information, amino acid conservation, physicochemical variation, residue mobility, and thermodynamic stability) performed at Invitae indicates that this missense variant is not expected to disrupt ATM protein function. This variant has not been reported in the literature in individuals affected with ATM-related conditions. This variant is not present in population databases (gnomAD no frequency). In summary, the available evidence is currently insufficient to determine the role of this variant in disease. Therefore, it has been classified as a Variant of Uncertain Significance.

Ambry Genetics
Classification: Uncertain significance for Hereditary cancer-predisposing syndrome. Last evaluated: 2020-11-16. Review status: criteria provided, single submitter. Criteria: Ambry Variant Classification Scheme 2023. Collection method: clinical testing. Allele origin: germline.
Comment: The p.Q1839L variant (also known as c.5516A>T), located in coding exon 36 of the ATM gene, results from an A to T substitution at nucleotide position 5516. The glutamine at codon 1839 is replaced by leucine, an amino acid with dissimilar properties. This amino acid position is highly conserved in available vertebrate species. In addition, the in silico prediction for this alteration is inconclusive. Since supporting evidence is limited at this time, the clinical significance of this alteration remains unclear.

NM_000051.4(ATM):c.5516A>T (p.Gln1839Leu)

Gene: ATM (ATM serine/threonine kinase; plus strand). Cytogenetic location: 11q22.3.
Variant type: single nucleotide variant.
Coding change: c.5516A>T on transcript NM_000051.4 (MANE Select); coding-DNA position 5516, A replaced by T.
Protein change: p.Gln1839Leu; replaces glutamine 1839 with leucine.
Molecular consequence: missense variant.
Genome position (GRCh38, 1-based): chr11:108,304,694, A>T. VCF-style: chr11-108304694-A-T. GRCh37 (hg19) VCF-style: chr11-108175421-A-T.
Other names: c.5516A>T, p.Gln1839Leu (NM_001351834.2); short protein forms Q1839L.
Identifiers: ClinVar variation 1719891 (VCV001719891.8), dbSNP rs2135942711, ClinGen allele CA382545777.